The following is an entry in ClinVar:

ClinVar aggregate classification (germline): Uncertain significance. Review status: criteria provided, multiple submitters, no conflicts (2 of 4 stars). 4 submissions from 4 submitters: Uncertain significance (4). Last evaluated 2024-07-07.

Conditions:
Hermansky-Pudlak syndrome 1 (HPS1). Also called: DELTA STORAGE POOL DISEASE. Identifiers: Orphanet 231500, Orphanet 79430, MedGen C2931875, MONDO:0008748, OMIM 203300.
Inborn genetic diseases. Identifiers: MedGen C0950123, MeSH D030342.

Allele frequency attached by ClinVar (database versions not stated): gnomAD 0.00002; TOPMed 0.00002; ESP Exome Variant Server 0.00008.
gnomAD v4.1: 64 of 1,579,546 alleles (0.0041%); highest among the groups gnomAD compares: Middle Eastern, 0.017%; no homozygotes.

Submissions (4):

Ambry Genetics
Classification: Uncertain significance for Inborn genetic diseases. Last evaluated: 2024-07-07. Review status: criteria provided, single submitter. Criteria: Ambry Variant Classification Scheme 2023. Collection method: clinical testing. Allele origin: germline.

Fulgent Genetics
Classification: Uncertain significance for Hermansky-Pudlak syndrome 1. Last evaluated: 2024-04-24. Review status: criteria provided, single submitter. Criteria: ACMG Guidelines, 2015. Collection method: clinical testing. Allele origin: germline.

Blueprint Genetics
Classification: Uncertain significance. Last evaluated: 2022-11-03. Review status: criteria provided, single submitter. Criteria: ACMG Guidelines, 2015. Collection method: clinical testing. Allele origin: germline.

Labcorp Genetics (formerly Invitae), Labcorp
Classification: Uncertain significance. Last evaluated: 2021-12-18. Review status: criteria provided, single submitter. Criteria: Invitae Variant Classification Sherloc (09022015). Collection method: clinical testing. Allele origin: germline.
Comment: This sequence change replaces serine, which is neutral and polar, with leucine, which is neutral and non-polar, at codon 567 of the HPS1 protein (p.Ser567Leu). This variant is present in population databases (rs375906039, gnomAD 0.004%). This variant has not been reported in the literature in individuals affected with HPS1-related conditions. Algorithms developed to predict the effect of missense changes on protein structure and function are either unavailable or do not agree on the potential impact of this missense change (SIFT: "Deleterious"; PolyPhen-2: "Probably Damaging"; Align-GVGD: "Class C0"). In summary, the available evidence is currently insufficient to determine the role of this variant in disease. Therefore, it has been classified as a Variant of Uncertain Significance.

NM_000195.5(HPS1):c.1700C>T (p.Ser567Leu)

Gene: HPS1 (HPS1 biogenesis of lysosomal organelles complex 3 subunit 1; minus strand). Cytogenetic location: 10q24.2.
Variant type: single nucleotide variant.
Coding change: c.1700C>T on transcript NM_000195.5 (MANE Select); coding-DNA position 1700, C replaced by T.
Protein change: p.Ser567Leu; replaces serine 567 with leucine.
Molecular consequence: missense variant.
Genome position (GRCh38, 1-based): chr10:98,422,412, G>A on the plus strand (C>T on the coding strand, the complement: HPS1 is on the minus strand). VCF-style: chr10-98422412-G-A. GRCh37 (hg19) VCF-style: chr10-100182169-G-A.
Other names: c.1700C>T (NM_000195.3); c.728C>T, p.Ser243Leu (NM_001311345.2, NM_001322487.2, NM_001322489.2); c.1700C>T, p.Ser567Leu (NM_001322476.2, NM_001322477.2); c.1601C>T, p.Ser534Leu (NM_001322478.2, NM_001322479.2); c.1439C>T, p.Ser480Leu (NM_001322480.2, NM_001322481.2); c.1340C>T, p.Ser447Leu (NM_001322482.2); c.1331C>T, p.Ser444Leu (NM_001322483.2, NM_001322484.2); c.1232C>T, p.Ser411Leu (NM_001322485.2); short protein forms S411L, S480L, S567L, S444L, S447L, S534L, S243L.
Identifiers: ClinVar variation 1446216 (VCV001446216.6), dbSNP rs375906039, ClinGen allele CA5638920.